The following is an entry in ClinVar:

NM_001165963.4(SCN1A):c.2946+4T>C

Gene: SCN1A (sodium voltage-gated channel alpha subunit 1; minus strand). Cytogenetic location: 2q24.3.
Variant type: single nucleotide variant.
Coding change: c.2946+4T>C on transcript NM_001165963.4 (MANE Select); 4 bases into the intron after coding-DNA position 2946, T replaced by C.
Molecular consequence: intron variant.
Genome position (GRCh38, 1-based): chr2:166,037,772, A>G on the plus strand (T>C on the coding strand, the complement: SCN1A is on the minus strand). VCF-style: chr2-166037772-A-G. GRCh37 (hg19) VCF-style: chr2-166894282-A-G.
Other names: c.2913+4T>C (NM_001353949.2, NM_001353950.2, NM_001353951.2 and 2 more transcripts); c.2862+4T>C (NM_001353958.2, NM_001353957.2, NM_001165964.3); c.2946+4T>C (NM_001202435.3, NM_001353948.2); c.2910+4T>C (NM_001353955.2, NM_001353954.2); c.2859+4T>C (NM_001353960.2); c.504+4T>C (NM_001353961.2).
Identifiers: ClinVar variation 448250 (VCV000448250.8), dbSNP rs1390205269, ClinGen allele CA537137454.
Genomic context (GRCh38, chr2:166,037,772, plus strand): 5'-TACATATGTATACATGTGCCATGCTGGTGTATTTCCAAAATGCATATCTTAAGTGGGTAC[A>G]TACCACTAGGTTTCCAATCACCATGACCATCATGAAGACAGTAAGGCACATGGCTTGACC-3'

ClinVar aggregate classification (germline): Conflicting classifications of pathogenicity. Review status: criteria provided, conflicting classifications (1 of 4 stars). 3 submissions from 3 submitters: Uncertain significance (2); Likely benign (1). Last evaluated 2022-07-14.

Conditions:
Early-infantile DEE. Also called: Early infantile epileptic encephalopathy with suppression bursts; Ohtahara syndrome; Early infantile epileptic encephalopathy. Identifiers: Orphanet 1934, MedGen C0393706, MONDO:0800491.

Allele frequency attached by ClinVar (database versions not stated): gnomAD exomes below 0.00001 and 0.00001.
gnomAD v4.1: 12 of 1,613,884 alleles (0.00074%); highest among the groups gnomAD compares: Non-Finnish European, 0.001%; no homozygotes.

Submissions (3):

Labcorp Genetics (formerly Invitae), Labcorp
Classification: Uncertain significance for Early-infantile DEE. Last evaluated: 2022-07-14. Review status: criteria provided, single submitter. Criteria: Invitae Variant Classification Sherloc (09022015). Collection method: clinical testing. Allele origin: germline.
Comment: This sequence change falls in intron 15 of the SCN1A gene. It does not directly change the encoded amino acid sequence of the SCN1A protein. It affects a nucleotide within the consensus splice site. In summary, the available evidence is currently insufficient to determine the role of this variant in disease. Therefore, it has been classified as a Variant of Uncertain Significance. Variants that disrupt the consensus splice site are a relatively common cause of aberrant splicing (PMID: 17576681, 9536098). Algorithms developed to predict the effect of sequence changes on RNA splicing suggest that this variant is not likely to affect RNA splicing. ClinVar contains an entry for this variant (Variation ID: 448250). This variant has not been reported in the literature in individuals affected with SCN1A-related conditions. This variant is present in population databases (no rsID available, gnomAD 0.0009%).

GeneDx
Classification: Likely benign. Last evaluated: 2020-04-30. Review status: criteria provided, single submitter. Criteria: GeneDx Variant Classification Process June 2021. Collection method: clinical testing. Allele origin: germline. Affected: yes.

Athena Diagnostics
Classification: Uncertain significance. Last evaluated: 2016-12-29. Review status: criteria provided, single submitter. Criteria: Athena Diagnostics Criteria. Collection method: clinical testing. Allele origin: germline.

Literature cited by the submitters: PubMed 17576681 (cited by Labcorp Genetics (formerly Invitae), Labcorp); PubMed 9536098 (cited by Labcorp Genetics (formerly Invitae), Labcorp).